The following is an entry in ClinVar:

NM_003356.4(UCP3):c.471A>C (p.Arg157Ser)

Gene: UCP3 (uncoupling protein 3; minus strand). Cytogenetic location: 11q13.4.
Variant type: single nucleotide variant.
Coding change: c.471A>C on transcript NM_003356.4 (MANE Select); coding-DNA position 471, A replaced by C.
Protein change: p.Arg157Ser; replaces arginine 157 with serine.
Molecular consequence: missense variant.
Genome position (GRCh38, 1-based): chr11:74,005,800, T>G on the plus strand (A>C on the coding strand, the complement: UCP3 is on the minus strand). VCF-style: chr11-74005800-T-G. GRCh37 (hg19) VCF-style: chr11-73716845-T-G.
Other names: c.471A>C, p.Arg157Ser (NM_022803.3); short protein forms R157S.
Identifiers: ClinVar variation 4996957 (VCV004996957.1).

ClinVar aggregate classification (germline): Uncertain significance (1 of 4 stars; one submission).

Conditions:
UCP3-related disorder. Also called: UCP3-related condition.

Submission:

PreventionGenetics, part of Exact Sciences
Classification: Uncertain significance for UCP3-related condition. Last evaluated: 2026-02-25. Review status: criteria provided, single submitter. Criteria: ACMG Guidelines, 2015. Collection method: clinical testing. Allele origin: germline.
Comment: The UCP3 c.471A>C variant is predicted to result in the amino acid substitution p.Arg157Ser. To our knowledge, this variant has not been reported in the literature or in a large population database (gnomAD), indicating this variant is rare. At this time, the clinical significance of this variant is uncertain due to the absence of conclusive functional and genetic evidence.